The following is an entry in ClinVar:

ClinVar aggregate classification (germline): Uncertain significance (1 of 4 stars; one submission).

gnomAD v4.1: 8 of 1,599,762 alleles (0.0005%); highest among the groups gnomAD compares: African/African-American, 0.0081%; no homozygotes.

Submission:

Labcorp Genetics (formerly Invitae), Labcorp
Classification: Uncertain significance. Last evaluated: 2025-10-13. Review status: criteria provided, single submitter. Criteria: Invitae Variant Classification Sherloc (09022015). Collection method: clinical testing. Allele origin: germline.
Comment: This sequence change replaces alanine, which is neutral and non-polar, with glycine, which is neutral and non-polar, at codon 340 of the KLC2 protein (p.Ala340Gly). This variant is present in population databases (rs759389235, gnomAD 0.02%). This variant has not been reported in the literature in individuals affected with KLC2-related conditions. ClinVar contains an entry for this variant (Variation ID: 3626346). An algorithm developed to predict the effect of missense changes on protein structure and function (PolyPhen-2) suggests that this variant is likely to be tolerated. Algorithms developed to predict the effect of sequence changes on RNA splicing suggest that this variant may create or strengthen a splice site. In summary, the available evidence is currently insufficient to determine the role of this variant in disease. Therefore, it has been classified as a Variant of Uncertain Significance.

NM_001318734.2(KLC2):c.1019C>G (p.Ala340Gly)

Genes: KLC2 (kinesin light chain 2; plus strand), KLC2-AS1 (KLC2 antisense RNA 1; minus strand). Cytogenetic location: 11q13.2.
Variant type: single nucleotide variant.
Coding change: c.1019C>G on transcript NM_001318734.2 (MANE Select); coding-DNA position 1019, C replaced by G.
Protein change: p.Ala340Gly; replaces alanine 340 with glycine.
Molecular consequence: missense variant.
Genome position (GRCh38, 1-based): chr11:66,264,122, C>G. VCF-style: chr11-66264122-C-G. GRCh37 (hg19) VCF-style: chr11-66031593-C-G.
Other names: c.788C>G, p.Ala263Gly (NM_001134774.2); c.1019C>G, p.Ala340Gly (NM_001134775.2, NM_001134776.2, NM_022822.3); short protein forms A263G, A340G.
Identifiers: ClinVar variation 3626346 (VCV003626346.2).
Genomic context (GRCh38, chr11:66,264,122, plus strand): 5'-ACCCAGATGTGGCCAAGCAGCTCAGCAACCTGGCCCTGCTGTGCCAGAACCAGGGCAAAG[C>G]TGAGGAGGTGGAATATTACTATCGGCGGGCACTGGAGATCTATGCTACACGCCTCGGGCC-3'
Protein context (NP_001305663.1, residues 330-350): LALLCQNQGK[Ala340Gly]EEVEYYYRRA